The following is an entry in ClinVar:

ClinVar aggregate classification (germline): Uncertain significance. Review status: criteria provided, multiple submitters, no conflicts (2 of 4 stars). 2 submissions from 2 submitters: Uncertain significance (2). Last evaluated 2025-11-28.

Allele frequency attached by ClinVar (database versions not stated): gnomAD exomes 0.00001; gnomAD 0.00003; TOPMed 0.00003.
gnomAD v4.1: 7 of 1,611,026 alleles (0.00043%); highest among the groups gnomAD compares: African/African-American, 0.0093%; no homozygotes.

Submissions (2):

Mayo Clinic Laboratories, Mayo Clinic
Classification: Uncertain significance. Last evaluated: 2025-11-28. Review status: criteria provided, single submitter. Criteria: ACMG Guidelines, 2015. Collection method: clinical testing. Allele origin: germline. Observed: 1 variant allele.
Comment: BP4_moderate, PM2_supporting

Labcorp Genetics (formerly Invitae), Labcorp
Classification: Uncertain significance. Last evaluated: 2025-07-28. Review status: criteria provided, single submitter. Criteria: Invitae Variant Classification Sherloc (09022015). Collection method: clinical testing. Allele origin: germline.
Comment: This sequence change replaces serine, which is neutral and polar, with alanine, which is neutral and non-polar, at codon 1096 of the SBF1 protein (p.Ser1096Ala). This variant is present in population databases (no rsID available, gnomAD 0.02%). This variant has not been reported in the literature in individuals affected with SBF1-related conditions. ClinVar contains an entry for this variant (Variation ID: 1503737). An algorithm developed to predict the effect of missense changes on protein structure and function (PolyPhen-2) suggests that this variant is likely to be disruptive. In summary, the available evidence is currently insufficient to determine the role of this variant in disease. Therefore, it has been classified as a Variant of Uncertain Significance.

NM_002972.4(SBF1):c.3286T>G (p.Ser1096Ala)

Gene: SBF1 (SET binding factor 1; minus strand). Cytogenetic location: 22q13.33.
Variant type: single nucleotide variant.
Coding change: c.3286T>G on transcript NM_002972.4 (MANE Select); coding-DNA position 3286, T replaced by G.
Protein change: p.Ser1096Ala; replaces serine 1096 with alanine.
Molecular consequence: missense variant.
Genome position (GRCh38, 1-based): chr22:50,460,157, A>C on the plus strand (T>G on the coding strand, the complement: SBF1 is on the minus strand). VCF-style: chr22-50460157-A-C. GRCh37 (hg19) VCF-style: chr22-50898586-A-C.
Other names: p.Ser1096Ala; c.3289T>G, p.Ser1097Ala (NM_001365819.1); short protein forms S1097A, S1096A.
Identifiers: ClinVar variation 1503737 (VCV001503737.9), dbSNP rs1037153234, ClinGen allele CA325531840.
Genomic context (GRCh38, chr22:50,460,157, plus strand): 5'-TGCGGTCGGAGGGCTTCAGGGCTGAGGACGGGGTCAGCGTGCTGGGCTCCAGCTCCTCCG[A>C]CACTGCACAGGCCGGGCACACGTGGTCATCACGGGGCCACTCCGCCTGCCCTGATCCTCC-3'
Protein context (NP_002963.2, residues 1086-1106): PEDQEDEISV[Ser1096Ala]EELEPSTLTP